The following is an entry in ClinVar:

ClinVar aggregate classification (germline): Uncertain significance (1 of 4 stars; one submission).

Allele frequency attached by ClinVar (database versions not stated): TOPMed 0.00001.
gnomAD v4.1: 4 of 1,614,196 alleles (0.00025%); no homozygotes.

Submission:

Labcorp Genetics (formerly Invitae), Labcorp
Classification: Uncertain significance. Last evaluated: 2024-02-12. Review status: criteria provided, single submitter. Criteria: Invitae Variant Classification Sherloc (09022015). Collection method: clinical testing. Allele origin: germline.
Comment: This sequence change replaces arginine, which is basic and polar, with glutamine, which is neutral and polar, at codon 683 of the ERBB2 protein (p.Arg683Gln). This variant is not present in population databases (gnomAD no frequency). This variant has not been reported in the literature in individuals affected with ERBB2-related conditions. ClinVar contains an entry for this variant (Variation ID: 841132). Advanced modeling of protein sequence and biophysical properties (such as structural, functional, and spatial information, amino acid conservation, physicochemical variation, residue mobility, and thermodynamic stability) performed at Invitae indicates that this missense variant is not expected to disrupt ERBB2 protein function with a negative predictive value of 80%. In summary, the available evidence is currently insufficient to determine the role of this variant in disease. Therefore, it has been classified as a Variant of Uncertain Significance.

NM_004448.4(ERBB2):c.2048G>A (p.Arg683Gln)

Gene: ERBB2 (erb-b2 receptor tyrosine kinase 2; plus strand). Cytogenetic location: 17q12.
Variant type: single nucleotide variant.
Coding change: c.2048G>A on transcript NM_004448.4 (MANE Select); coding-DNA position 2048, G replaced by A.
Protein change: p.Arg683Gln; replaces arginine 683 with glutamine.
Molecular consequence: missense variant. On other transcripts: non-coding transcript variant (1), intron variant (1).
Genome position (GRCh38, 1-based): chr17:39,723,420, G>A. VCF-style: chr17-39723420-G-A. GRCh37 (hg19) VCF-style: chr17-37879673-G-A.
Other names: c.1958G>A, p.Arg653Gln (NM_001005862.3, NM_001382782.1, NM_001382783.1); c.2003G>A, p.Arg668Gln (NM_001289936.2); c.2048G>A, p.Arg683Gln (NM_001289937.2, NM_001382792.1, NM_001382793.1 and 7 more transcripts); c.2165G>A, p.Arg722Gln (NM_001382784.1, NM_001382786.1); c.2150G>A, p.Arg717Gln (NM_001382785.1); c.2123G>A, p.Arg708Gln (NM_001382787.1); c.2078G>A, p.Arg693Gln (NM_001382788.1); c.2069G>A, p.Arg690Gln (NM_001382789.1); and 7 more; short protein forms R668Q, R683Q, R653Q, R407Q, R597Q, R623Q, R667Q, R680Q.
Identifiers: ClinVar variation 841132 (VCV000841132.7), dbSNP rs765387989, ClinGen allele CA399301218.